The following is an entry in ClinVar:

NM_001029998.6(SLC10A7):c.442G>A (p.Val148Ile)

Gene: SLC10A7 (solute carrier family 10 member 7; minus strand). Cytogenetic location: 4q31.22.
Variant type: single nucleotide variant.
Coding change: c.442G>A on transcript NM_001029998.6 (MANE Select); coding-DNA position 442, G replaced by A.
Protein change: p.Val148Ile; replaces valine 148 with isoleucine.
Molecular consequence: missense variant. On other transcripts: non-coding transcript variant (1).
Genome position (GRCh38, 1-based): chr4:146,325,990, C>T on the plus strand (G>A on the coding strand, the complement: SLC10A7 is on the minus strand). VCF-style: chr4-146325990-C-T. GRCh37 (hg19) VCF-style: chr4-147247142-C-T.
Other names: c.442G>A, p.Val148Ile (NM_001300842.3); c.403G>A, p.Val135Ile (NM_001317816.2); c.442G>A (NM_001300842.2); short protein forms V135I, V148I.
Identifiers: ClinVar variation 2052257 (VCV002052257.6), dbSNP rs147461877, ClinGen allele CA3096793.

ClinVar aggregate classification (germline): Likely benign. Review status: criteria provided, single submitter (1 of 4 stars). 2 submissions from 2 submitters: Likely benign (1). 1 of the submissions does not count toward it. Last evaluated 2026-01-28.

Conditions:
SLC10A7-related disorder. Also called: SLC10A7-related condition.

Allele frequency attached by ClinVar (database versions not stated): gnomAD exomes 0.00038; ExAC 0.00130; 1000 Genomes Project 30x 0.00172; gnomAD 0.00184; 1000 Genomes Project 0.00200; TOPMed 0.00206; ESP Exome Variant Server 0.00277.
gnomAD v4.1: 862 of 1,611,602 alleles (0.053%); highest among the groups gnomAD compares: African/African-American, 0.53%; 6 homozygotes.

Submissions (2):

Labcorp Genetics (formerly Invitae), Labcorp
Classification: Likely benign. Last evaluated: 2026-01-28. Review status: criteria provided, single submitter. Criteria: Invitae Variant Classification Sherloc (09022015). Collection method: clinical testing. Allele origin: germline.

PreventionGenetics, part of Exact Sciences
Classification: Likely benign for SLC10A7-related condition. Last evaluated: 2019-07-29. Review status: no assertion criteria provided. Collection method: clinical testing. Allele origin: germline. Not counted in ClinVar's aggregate classification.
Comment: This variant is classified as likely benign based on ACMG/AMP sequence variant interpretation guidelines (Richards et al. 2015 PMID: 25741868, with internal and published modifications).